The following is an entry in ClinVar:

ClinVar aggregate classification (germline): Likely benign. Review status: criteria provided, multiple submitters, no conflicts (2 of 4 stars). 5 submissions from 5 submitters: Likely benign (4). 1 of the submissions does not count toward it. Last evaluated 2026-02-01.

Conditions:
Immunodeficiency, common variable, 7. Identifiers: Orphanet 1572, Orphanet 696894, MedGen C3542922, MONDO:0013862, OMIM 614699.
CR2-related disorder. Also called: CR2-related disorders; CR2-related condition.

Allele frequency attached by ClinVar (database versions not stated): gnomAD exomes 0.00003 and 0.00004; TOPMed 0.00003; gnomAD 0.00005; ExAC 0.00006.
gnomAD v4.1: 53 of 1,585,270 alleles (0.0033%); highest among the groups gnomAD compares: Non-Finnish European, 0.0042%; no homozygotes.

Submissions (5):

Labcorp Genetics (formerly Invitae), Labcorp
Classification: Likely benign for Immunodeficiency, common variable, 7. Last evaluated: 2026-02-01. Review status: criteria provided, single submitter. Criteria: Invitae Variant Classification Sherloc (09022015). Collection method: clinical testing. Allele origin: germline.

Blueprint Genetics
Classification: Likely benign. Last evaluated: 2024-10-02. Review status: criteria provided, single submitter. Criteria: ACMG Guidelines, 2015. Collection method: clinical testing. Allele origin: germline.

Genome-Nilou Lab
Classification: Likely benign for Immunodeficiency, common variable, 7. Last evaluated: 2023-04-11. Review status: criteria provided, single submitter. Criteria: ACMG Guidelines, 2015. Collection method: clinical testing. Allele origin: germline. Affected: no.

CeGaT Center for Human Genetics Tuebingen
Classification: Likely benign. Last evaluated: 2022-10-01. Review status: criteria provided, single submitter. Criteria: CeGaT Center For Human Genetics Tuebingen Variant Classification Criteria Version 2. Collection method: clinical testing. Allele origin: germline. Affected: yes. Observed: 1 variant allele.
Comment: CR2: BP4, BP7

PreventionGenetics, part of Exact Sciences
Classification: Likely benign for CR2-related condition. Last evaluated: 2019-05-03. Review status: no assertion criteria provided. Collection method: clinical testing. Allele origin: germline. Not counted in ClinVar's aggregate classification.
Comment: This variant is classified as likely benign based on ACMG/AMP sequence variant interpretation guidelines (Richards et al. 2015 PMID: 25741868, with internal and published modifications).

NM_001006658.3(CR2):c.21C>T (p.Leu7=)

Gene: CR2 (complement C3d receptor 2; plus strand). Cytogenetic location: 1q32.2.
Variant type: single nucleotide variant.
Coding change: c.21C>T on transcript NM_001006658.3 (MANE Select); coding-DNA position 21, C replaced by T.
Protein change: p.Leu7=; no amino-acid change (leucine 7 retained).
Molecular consequence: synonymous variant.
Genome position (GRCh38, 1-based): chr1:207,454,439, C>T. VCF-style: chr1-207454439-C-T. GRCh37 (hg19) VCF-style: chr1-207627784-C-T.
Other names: c.21C>T, p.Leu7= (NM_001877.5); c.21C>T (NM_001006658.2).
Identifiers: ClinVar variation 1149460 (VCV001149460.39), dbSNP rs779365020, ClinGen allele CA1368332.
Genomic context (GRCh38, chr1:207,454,439, plus strand): 5'-GTCTCGGAACGCATCCCGCCGCGGGGGCTTCGGCCGTGGCATGGGCGCCGCGGGCCTGCT[C>T]GGGGTTTTCTTGGCTCTCGTCGCACCGGGGGTCCTCGGTGAGCTGGGAGGGGGAGCACGG-3'
Protein context (NP_001006659.1, residues 1-17): MGAAGL[Leu7=]GVFLALVAPG